The following is an entry in ClinVar:

ClinVar aggregate classification (germline): Likely benign. Review status: criteria provided, multiple submitters, no conflicts (2 of 4 stars). 2 submissions from 2 submitters: Likely benign (2). Last evaluated 2026-06-15.

Conditions:
STIM1-related disorder. Also called: STIM1-related condition.

gnomAD v4.1: 130 of 1,537,772 alleles (0.0085%); highest among the groups gnomAD compares: Non-Finnish European, 0.011%; no homozygotes.

Submissions (2):

PreventionGenetics, part of Exact Sciences
Classification: Likely benign for STIM1-related condition. Last evaluated: 2026-06-15. Review status: criteria provided, single submitter. Criteria: ACMG Guidelines, 2015. Collection method: clinical testing. Allele origin: germline.
Comment: This variant is classified as likely benign based on ACMG/AMP sequence variant interpretation guidelines (Richards et al. 2015 PMID: 25741868, with internal and published modifications).

Blueprint Genetics
Classification: Likely benign. Last evaluated: 2023-01-05. Review status: criteria provided, single submitter. Criteria: ACMG Guidelines, 2015. Collection method: clinical testing. Allele origin: germline.

NM_001382567.1(STIM1):c.1634+187C>T

Gene: STIM1 (stromal interaction molecule 1; plus strand). Cytogenetic location: 11p15.4.
Variant type: single nucleotide variant.
Coding change: c.1634+187C>T on transcript NM_001382567.1 (MANE Select); 187 bases into the intron after coding-DNA position 1634, C replaced by T.
Molecular consequence: intron variant. On other transcripts: synonymous variant (2).
Genome position (GRCh38, 1-based): chr11:4,086,730, C>T. VCF-style: chr11-4086730-C-T. GRCh37 (hg19) VCF-style: chr11-4107960-C-T.
Other names: c.1728C>T, p.Thr576= (NM_001277961.3); c.1506C>T, p.Thr502= (NM_001382566.1); c.1319+187C>T (NM_001382578.1, NM_001382575.1, NM_001382576.1 and 2 more transcripts); c.1052+187C>T (NM_001382580.1, NM_001382581.1); c.1562+187C>T (NM_001382568.1); c.1541+187C>T (NM_001277962.2, NM_003156.4); c.1313+187C>T (NM_001382570.1); c.1406+187C>T (NM_001382569.1); and 2 more.
Identifiers: ClinVar variation 4910408 (VCV004910408.2).